The following is an entry in ClinVar:

NM_005876.5(SPEG):c.1264G>A (p.Ala422Thr)

Gene: SPEG (striated muscle enriched protein kinase; plus strand). Cytogenetic location: 2q35.
Variant type: single nucleotide variant.
Coding change: c.1264G>A on transcript NM_005876.5 (MANE Select); coding-DNA position 1264, G replaced by A.
Protein change: p.Ala422Thr; replaces alanine 422 with threonine.
Molecular consequence: missense variant.
Genome position (GRCh38, 1-based): chr2:219,448,422, G>A. VCF-style: chr2-219448422-G-A. GRCh37 (hg19) VCF-style: chr2-220313144-G-A.
Other names: short protein forms A422T.
Identifiers: ClinVar variation 1404036 (VCV001404036.4), dbSNP rs778394831, ClinGen allele CA2125687.

ClinVar aggregate classification (germline): Uncertain significance (1 of 4 stars; one submission).

Allele frequency attached by ClinVar (database versions not stated): TOPMed below 0.00001; gnomAD exomes 0.00001; ExAC 0.00011.
gnomAD v4.1: 6 of 1,522,574 alleles (0.00039%); highest among the groups gnomAD compares: South Asian, 0.0049%; no homozygotes.

Submission:

Labcorp Genetics (formerly Invitae), Labcorp
Classification: Uncertain significance. Last evaluated: 2021-09-16. Review status: criteria provided, single submitter. Criteria: Invitae Variant Classification Sherloc (09022015). Collection method: clinical testing. Allele origin: germline.
Comment: In summary, the available evidence is currently insufficient to determine the role of this variant in disease. Therefore, it has been classified as a Variant of Uncertain Significance. Advanced modeling of protein sequence and biophysical properties (such as structural, functional, and spatial information, amino acid conservation, physicochemical variation, residue mobility, and thermodynamic stability) performed at Invitae indicates that this missense variant is expected to disrupt SPEG protein function. This variant has not been reported in the literature in individuals affected with SPEG-related conditions. While this variant is present in population databases (rs778394831), the frequency information is unreliable, as metrics indicate poor data quality at this position in the ExAC database. This sequence change replaces alanine with threonine at codon 422 of the SPEG protein (p.Ala422Thr). The alanine residue is highly conserved and there is a small physicochemical difference between alanine and threonine.